The following is an entry in ClinVar:

GRCh37/hg19 9p24.3-13.1(chr9:214309-39156958)

Genes: ACER2 (alkaline ceramidase 2; plus strand), ACO1 (aconitase 1; plus strand), ADAMTSL1 (ADAMTS like 1; plus strand), AK3 (adenylate kinase 3; minus strand), ALDH1B1 (aldehyde dehydrogenase 1 family member B1; plus strand) and 192 more. Cytogenetic location: 9p24.3-13.1.
Variant type: copy number gain.
Identifiers: ClinVar variation 625636 (VCV000625636.1).

ClinVar aggregate classification (germline): Pathogenic (1 of 4 stars; one submission).

Submission:

Baylor Genetics
Classification: Pathogenic. Last evaluated: 2018-11-01. Review status: criteria provided, single submitter. Criteria: ACMG CNV Guidelines, 2011. Collection method: clinical testing. Allele origin: de novo. Affected: yes. Observed: 1 variant allele.
Comment: Duplications involving this region have been previously reported in patients with multiple congenital anomalies, intellectual disability and developmental delay (PMID: 25847481)